The following is an entry in ClinVar:

NM_020366.4(RPGRIP1):c.2084A>G (p.Gln695Arg)

Gene: RPGRIP1 (RPGR interacting protein 1; plus strand). Cytogenetic location: 14q11.2.
Variant type: single nucleotide variant.
Coding change: c.2084A>G on transcript NM_020366.4 (MANE Select); coding-DNA position 2084, A replaced by G.
Protein change: p.Gln695Arg; replaces glutamine 695 with arginine.
Molecular consequence: missense variant. On other transcripts: intron variant (4).
Genome position (GRCh38, 1-based): chr14:21,324,939, A>G. VCF-style: chr14-21324939-A-G. GRCh37 (hg19) VCF-style: chr14-21793098-A-G.
Other names: c.1010A>G, p.Gln337Arg (NM_001377948.1); c.796+214A>G (NM_001377949.1); c.689-2684A>G (NM_001377523.1, NM_001377950.1); c.191-2684A>G (NM_001377951.1); short protein forms Q695R, Q337R.
Identifiers: ClinVar variation 2038619 (VCV002038619.5), dbSNP rs778197822, ClinGen allele CA7089149.

ClinVar aggregate classification (germline): Uncertain significance. Review status: criteria provided, multiple submitters, no conflicts (2 of 4 stars). 2 submissions from 2 submitters: Uncertain significance (2). Last evaluated 2022-04-28.

Conditions:
Leber congenital amaurosis 6 (LCA6). Identifiers: Orphanet 65, MedGen C1854260, MONDO:0013446, OMIM 613826.
Cone-rod dystrophy 13 (CORD13). Identifiers: Orphanet 1872, MedGen C2750720, MONDO:0011987, OMIM 608194.

Allele frequency attached by ClinVar (database versions not stated): gnomAD 0.00001; gnomAD exomes 0.00001; ExAC 0.00002.
gnomAD v4.1: 15 of 1,613,868 alleles (0.00093%); highest among the groups gnomAD compares: East Asian, 0.033%; no homozygotes.

Submissions (2):

Labcorp Genetics (formerly Invitae), Labcorp
Classification: Uncertain significance for Leber congenital amaurosis 6; Cone-rod dystrophy 13. Last evaluated: 2022-04-28. Review status: criteria provided, single submitter. Criteria: Invitae Variant Classification Sherloc (09022015). Collection method: clinical testing. Allele origin: germline.
Comment: In summary, the available evidence is currently insufficient to determine the role of this variant in disease. Therefore, it has been classified as a Variant of Uncertain Significance. Algorithms developed to predict the effect of missense changes on protein structure and function output the following: SIFT: "Tolerated"; PolyPhen-2: "Benign"; Align-GVGD: "Class C0". The arginine amino acid residue is found in multiple mammalian species, which suggests that this missense change does not adversely affect protein function. This variant has not been reported in the literature in individuals affected with RPGRIP1-related conditions. This variant is present in population databases (rs778197822, gnomAD 0.07%). This sequence change replaces glutamine, which is neutral and polar, with arginine, which is basic and polar, at codon 695 of the RPGRIP1 protein (p.Gln695Arg).

Blueprint Genetics
Classification: Uncertain significance. Last evaluated: 2019-02-27. Review status: criteria provided, single submitter. Criteria: ACMG Guidelines, 2015. Collection method: clinical testing. Allele origin: germline.